The following is an entry in ClinVar:

ClinVar aggregate classification (germline): Uncertain significance (1 of 4 stars; one submission).

Allele frequency attached by ClinVar (database versions not stated): gnomAD exomes 0.00001 and 0.00002; ExAC 0.00002.
gnomAD v4.1: 21 of 1,614,218 alleles (0.0013%); highest among the groups gnomAD compares: Non-Finnish European, 0.0018%; no homozygotes.

Submission:

Labcorp Genetics (formerly Invitae), Labcorp
Classification: Uncertain significance. Last evaluated: 2024-11-05. Review status: criteria provided, single submitter. Criteria: Invitae Variant Classification Sherloc (09022015). Collection method: clinical testing. Allele origin: germline.
Comment: This sequence change replaces cysteine, which is neutral and slightly polar, with tyrosine, which is neutral and polar, at codon 245 of the NR3C1 protein (p.Cys245Tyr). This variant is present in population databases (rs762087247, gnomAD 0.005%). This variant has not been reported in the literature in individuals affected with NR3C1-related conditions. ClinVar contains an entry for this variant (Variation ID: 1496931). An algorithm developed to predict the effect of missense changes on protein structure and function outputs the following: PolyPhen-2: "Benign". The tyrosine amino acid residue is found in multiple mammalian species, which suggests that this missense change does not adversely affect protein function. In summary, the available evidence is currently insufficient to determine the role of this variant in disease. Therefore, it has been classified as a Variant of Uncertain Significance.

NM_000176.3(NR3C1):c.734G>A (p.Cys245Tyr)

Gene: NR3C1 (nuclear receptor subfamily 3 group C member 1; minus strand). Cytogenetic location: 5q31.3.
Variant type: single nucleotide variant.
Coding change: c.734G>A on transcript NM_000176.3 (MANE Select); coding-DNA position 734, G replaced by A.
Protein change: p.Cys245Tyr; replaces cysteine 245 with tyrosine.
Molecular consequence: missense variant. On other transcripts: 5 prime UTR variant (3).
Genome position (GRCh38, 1-based): chr5:143,400,106, C>T on the plus strand (G>A on the coding strand, the complement: NR3C1 is on the minus strand). VCF-style: chr5-143400106-C-T. GRCh37 (hg19) VCF-style: chr5-142779671-C-T.
Other names: c.734G>A, p.Cys245Tyr (NM_001364182.1, NM_001364183.2, NM_001364184.2 and 10 more transcripts); c.656G>A, p.Cys219Tyr (NM_001204258.2); c.479G>A, p.Cys160Tyr (NM_001204259.2); c.467G>A, p.Cys156Tyr (NM_001204260.2); c.443G>A, p.Cys148Tyr (NM_001204261.2); c.-212G>A (NM_001204262.2); c.-257G>A (NM_001204263.2); c.-272G>A (NM_001204264.2); short protein forms C156Y, C148Y, C219Y, C245Y, C160Y.
Identifiers: ClinVar variation 1496931 (VCV001496931.6), dbSNP rs762087247, ClinGen allele CA3487025.